The following is an entry in ClinVar:

NM_001690.4(ATP6V1A):c.625T>C (p.Trp209Arg)

Gene: ATP6V1A (ATPase H+ transporting V1 subunit A; plus strand). Cytogenetic location: 3q13.31.
Variant type: single nucleotide variant.
Coding change: c.625T>C on transcript NM_001690.4 (MANE Select); coding-DNA position 625, T replaced by C.
Protein change: p.Trp209Arg; replaces tryptophan 209 with arginine.
Molecular consequence: missense variant.
Genome position (GRCh38, 1-based): chr3:113,786,292, T>C. VCF-style: chr3-113786292-T-C. GRCh37 (hg19) VCF-style: chr3-113505139-T-C.
Other names: short protein forms W209R.
Identifiers: ClinVar variation 3606875 (VCV003606875.2).
Genomic context (GRCh38, chr3:113,786,292, plus strand): 5'-GATGTTGTCTTGGAGCTTGAATTTGAAGGTGTAAAGGAGAAGTTCACCATGGTGCAAGTA[T>C]GGCCTGTACGTCAAGTTCGACCTGTCACTGAGAAGCTGCCAGCCAATCATCCTCTGTTGA-3'
Protein context (NP_001681.2, residues 199-219): VKEKFTMVQV[Trp209Arg]PVRQVRPVTE

ClinVar aggregate classification (germline): Uncertain significance (1 of 4 stars; one submission).

Submission:

Labcorp Genetics (formerly Invitae), Labcorp
Classification: Uncertain significance. Last evaluated: 2024-02-22. Review status: criteria provided, single submitter. Criteria: Invitae Variant Classification Sherloc (09022015). Collection method: clinical testing. Allele origin: germline.
Comment: This sequence change replaces tryptophan, which is neutral and slightly polar, with arginine, which is basic and polar, at codon 209 of the ATP6V1A protein (p.Trp209Arg). This variant is not present in population databases (gnomAD no frequency). This variant has not been reported in the literature in individuals affected with ATP6V1A-related conditions. Advanced modeling of protein sequence and biophysical properties (such as structural, functional, and spatial information, amino acid conservation, physicochemical variation, residue mobility, and thermodynamic stability) performed at Invitae indicates that this missense variant is expected to disrupt ATP6V1A protein function with a positive predictive value of 80%. In summary, the available evidence is currently insufficient to determine the role of this variant in disease. Therefore, it has been classified as a Variant of Uncertain Significance.